The following is an entry in ClinVar:

ClinVar aggregate classification (germline): Uncertain significance (1 of 4 stars; one submission).

gnomAD v4.1: 1 of 1,614,068 alleles (0.000062%); highest among the groups gnomAD compares: Non-Finnish European, 0.000085%; no homozygotes.

Submission:

Labcorp Genetics (formerly Invitae), Labcorp
Classification: Uncertain significance. Last evaluated: 2022-10-13. Review status: criteria provided, single submitter. Criteria: Invitae Variant Classification Sherloc (09022015). Collection method: clinical testing. Allele origin: germline.
Comment: This sequence change replaces phenylalanine, which is neutral and non-polar, with valine, which is neutral and non-polar, at codon 126 of the CYP4V2 protein (p.Phe126Val). This variant is not present in population databases (gnomAD no frequency). This variant has not been reported in the literature in individuals affected with CYP4V2-related conditions. ClinVar contains an entry for this variant (Variation ID: 1364323). Advanced modeling of protein sequence and biophysical properties (such as structural, functional, and spatial information, amino acid conservation, physicochemical variation, residue mobility, and thermodynamic stability) has been performed at Invitae for this missense variant, however the output from this modeling did not meet the statistical confidence thresholds required to predict the impact of this variant on CYP4V2 protein function. In summary, the available evidence is currently insufficient to determine the role of this variant in disease. Therefore, it has been classified as a Variant of Uncertain Significance.

NM_207352.4(CYP4V2):c.376T>G (p.Phe126Val)

Gene: CYP4V2 (cytochrome P450 family 4 subfamily V member 2; plus strand). Cytogenetic location: 4q35.1.
Variant type: single nucleotide variant.
Coding change: c.376T>G on transcript NM_207352.4 (MANE Select); coding-DNA position 376, T replaced by G.
Protein change: p.Phe126Val; replaces phenylalanine 126 with valine.
Molecular consequence: missense variant.
Genome position (GRCh38, 1-based): chr4:186,196,051, T>G. VCF-style: chr4-186196051-T-G. GRCh37 (hg19) VCF-style: chr4-187117205-T-G.
Other names: short protein forms F126V.
Identifiers: ClinVar variation 1364323 (VCV001364323.8), dbSNP rs1736138466, ClinGen allele CA358947149.
Genomic context (GRCh38, chr4:186,196,051, plus strand): 5'-TCTCTTCCTAAGGTAATTTTAACTAGTTCAAAGCAAATTGACAAATCCTCTATGTACAAG[T>G]TTTTAGAACCATGGCTTGGCCTAGGACTTCTTACAAGGTATGCCAGTGTACCTTTGTAAA-3'
Protein context (NP_997235.3, residues 116-136): KQIDKSSMYK[Phe126Val]LEPWLGLGLL